The following is an entry in ClinVar:

ClinVar aggregate classification (germline): Benign (1 of 4 stars; one submission).

Allele frequency attached by ClinVar (database versions not stated): 1000 Genomes Project 30x 0.24001; 1000 Genomes Project 0.24461; TOPMed 0.24962; gnomAD 0.25224 and 0.25591; gnomAD exomes 0.32564.

Submission:

GeneDx
Classification: Benign. Last evaluated: 2018-06-14. Review status: criteria provided, single submitter. Criteria: GeneDx Variant Classification (06012015). Collection method: clinical testing. Allele origin: germline. Affected: yes.
Comment: This variant is considered likely benign or benign based on one or more of the following criteria: it is a conservative change, it occurs at a poorly conserved position in the protein, it is predicted to be benign by multiple in silico algorithms, and/or has population frequency not consistent with disease.

NM_012470.4(TNPO3):c.1266+139A>G

Gene: TNPO3 (transportin 3; minus strand). Cytogenetic location: 7q32.1.
Variant type: single nucleotide variant.
Coding change: c.1266+139A>G on transcript NM_012470.4 (MANE Select); 139 bases into the intron after coding-DNA position 1266, A replaced by G.
Molecular consequence: intron variant.
Genome position (GRCh38, 1-based): chr7:128,993,668, T>C on the plus strand (A>G on the coding strand, the complement: TNPO3 is on the minus strand). VCF-style: chr7-128993668-T-C. GRCh37 (hg19) VCF-style: chr7-128633722-T-C.
Other names: c.1122+139A>G (NM_001382221.1); c.1119+139A>G (NM_001382222.1); c.1159-1578A>G (NM_001382219.1); c.1266+139A>G (NM_001382223.1, NM_001191028.3, NM_001382220.1 and 2 more transcripts); c.1347+139A>G (NM_001382217.1).
Identifiers: ClinVar variation 670782 (VCV000670782.1), dbSNP rs2305323, ClinGen allele CA15510745.